The following is an entry in ClinVar:

NM_001111.5(ADAR):c.2206C>T (p.Arg736Cys)

Gene: ADAR (adenosine deaminase RNA specific; minus strand). Cytogenetic location: 1q21.3.
Variant type: single nucleotide variant.
Coding change: c.2206C>T on transcript NM_001111.5 (MANE Select); coding-DNA position 2206, C replaced by T.
Protein change: p.Arg736Cys; replaces arginine 736 with cysteine.
Molecular consequence: missense variant.
Genome position (GRCh38, 1-based): chr1:154,596,869, G>A on the plus strand (C>T on the coding strand, the complement: ADAR is on the minus strand). VCF-style: chr1-154596869-G-A. GRCh37 (hg19) VCF-style: chr1-154569345-G-A.
Other names: c.1321C>T, p.Arg441Cys (NM_001025107.3, NM_001193495.2, NM_001365046.1 and 3 more transcripts); c.2233C>T, p.Arg745Cys (NM_001365045.1); c.2206C>T, p.Arg736Cys (NM_015840.4); c.2149C>T, p.Arg717Cys (NM_015841.4); short protein forms R736C, R745C, R441C, R717C.
Identifiers: ClinVar variation 1355258 (VCV001355258.7), dbSNP rs770309575, ClinGen allele CA1131351.

ClinVar aggregate classification (germline): Uncertain significance. Review status: criteria provided, multiple submitters, no conflicts (2 of 4 stars). 2 submissions from 2 submitters: Uncertain significance (2). Last evaluated 2025-03-06.

Conditions:
Symmetrical dyschromatosis of extremities (DSH). Also called: Dyschromatosis symmetrica hereditaria; RETICULATE ACROPIGMENTATION OF DOHI; SYMMETRIC DYSCHROMATOSIS OF THE EXTREMITIES; DYSCHROMATOSIS SYMMETRICA HEREDITARIA 1. Identifiers: Orphanet 41, MedGen C0406775, MONDO:0007483, OMIM 127400.
Aicardi-Goutieres syndrome 6 (AGS6). Identifiers: Orphanet 51, MedGen C3539013, MONDO:0014007, OMIM 615010.

Allele frequency attached by ClinVar (database versions not stated): ExAC 0.00001; gnomAD exomes 0.00001; gnomAD 0.00002; TOPMed 0.00002.
gnomAD v4.1: 8 of 1,613,980 alleles (0.0005%); highest among the groups gnomAD compares: African/African-American, 0.004%; no homozygotes.

Submissions (2):

Labcorp Genetics (formerly Invitae), Labcorp
Classification: Uncertain significance for Aicardi-Goutieres syndrome 6; Symmetrical dyschromatosis of extremities. Last evaluated: 2025-03-06. Review status: criteria provided, single submitter. Criteria: Invitae Variant Classification Sherloc (09022015). Collection method: clinical testing. Allele origin: germline.
Comment: This sequence change replaces arginine, which is basic and polar, with cysteine, which is neutral and slightly polar, at codon 736 of the ADAR protein (p.Arg736Cys). This variant is present in population databases (rs770309575, gnomAD 0.008%). This variant has not been reported in the literature in individuals affected with ADAR-related conditions. ClinVar contains an entry for this variant (Variation ID: 1355258). Invitae Evidence Modeling of protein sequence and biophysical properties (such as structural, functional, and spatial information, amino acid conservation, physicochemical variation, residue mobility, and thermodynamic stability) has been performed for this missense variant. However, the output from this modeling did not meet the statistical confidence thresholds required to predict the impact of this variant on ADAR protein function. In summary, the available evidence is currently insufficient to determine the role of this variant in disease. Therefore, it has been classified as a Variant of Uncertain Significance.

Blueprint Genetics
Classification: Uncertain significance. Last evaluated: 2024-06-06. Review status: criteria provided, single submitter. Criteria: ACMG Guidelines, 2015. Collection method: clinical testing. Allele origin: germline.